The following is an entry in ClinVar:

NM_001128.6(AP1G1):c.1274T>C (p.Val425Ala)

Gene: AP1G1 (adaptor related protein complex 1 subunit gamma 1; minus strand). Cytogenetic location: 16q22.2.
Variant type: single nucleotide variant.
Coding change: c.1274T>C on transcript NM_001128.6 (MANE Select); coding-DNA position 1274, T replaced by C.
Protein change: p.Val425Ala; replaces valine 425 with alanine.
Molecular consequence: missense variant.
Genome position (GRCh38, 1-based): chr16:71,753,843, A>G on the plus strand (T>C on the coding strand, the complement: AP1G1 is on the minus strand). VCF-style: chr16-71753843-A-G. GRCh37 (hg19) VCF-style: chr16-71787746-A-G.
Other names: c.1283T>C, p.Val428Ala (NM_001030007.2); c.1283T>C (NM_001030007.1); short protein forms V425A, V428A.
Identifiers: ClinVar variation 3777076 (VCV003777076.1).

ClinVar aggregate classification (germline): Uncertain significance (1 of 4 stars; one submission).

Conditions:
Usmani-Riazuddin syndrome, autosomal dominant (USRISD). Identifiers: MedGen C5561952, MONDO:0859174, OMIM 619467.

Submission:

University of Washington Department of Laboratory Medicine, University of Washington
Classification: Uncertain significance for Usmani-Riazuddin syndrome, autosomal dominant. Last evaluated: 2023-05-11. Review status: criteria provided, single submitter. Criteria: ACMG Guidelines, 2015. Collection method: clinical testing. Allele origin: unknown. Affected: yes.
Comment: The p.Val428Ala variant in the AP1G1 gene has not been previously reported in association with disease. This variant was absent from large population databases, including the Genome Aggregation Database. In silico tools do not consistently predict if the p.Val428Ala variant impacts protein function; however, these predictions have not been tested directly. Using ACMG guidelines, this variant was classified as a variant of uncertain significance (ACMG evidence codes used: PM2_supporting).